The following is an entry in ClinVar:

NM_001130438.3(SPTAN1):c.4907C>T (p.Ala1636Val)

Gene: SPTAN1 (spectrin alpha, non-erythrocytic 1; plus strand). Cytogenetic location: 9q34.11.
Variant type: single nucleotide variant.
Coding change: c.4907C>T on transcript NM_001130438.3 (MANE Select); coding-DNA position 4907, C replaced by T.
Protein change: p.Ala1636Val; replaces alanine 1636 with valine.
Molecular consequence: missense variant.
Genome position (GRCh38, 1-based): chr9:128,612,110, C>T. VCF-style: chr9-128612110-C-T. GRCh37 (hg19) VCF-style: chr9-131374389-C-T.
Other names: c.4892C>T, p.Ala1631Val (NM_003127.4); c.4832C>T, p.Ala1611Val (NM_001195532.2); c.4907C>T, p.Ala1636Val (NM_001363759.2, NM_001375310.1, NM_001375311.2 and 1 more transcripts); c.4847C>T, p.Ala1616Val (NM_001363765.2, NM_001375314.2); c.4943C>T, p.Ala1648Val (NM_001375312.2, NM_001375318.1); short protein forms A1611V, A1616V, A1631V, A1636V, A1648V.
Identifiers: ClinVar variation 1719679 (VCV001719679.5), dbSNP rs2541843974, ClinGen allele CA375070771.

ClinVar aggregate classification (germline): Uncertain significance (1 of 4 stars; one submission).

Conditions:
Early-infantile DEE. Also called: Early infantile epileptic encephalopathy with suppression bursts; Early infantile epileptic encephalopathy; Ohtahara syndrome. Identifiers: Orphanet 1934, MedGen C0393706, MONDO:0800491.

Submission:

Labcorp Genetics (formerly Invitae), Labcorp
Classification: Uncertain significance for Early-infantile DEE. Last evaluated: 2022-09-17. Review status: criteria provided, single submitter. Criteria: Invitae Variant Classification Sherloc (09022015). Collection method: clinical testing. Allele origin: germline.
Comment: In summary, the available evidence is currently insufficient to determine the role of this variant in disease. Therefore, it has been classified as a Variant of Uncertain Significance. Algorithms developed to predict the effect of missense changes on protein structure and function (SIFT, PolyPhen-2, Align-GVGD) all suggest that this variant is likely to be tolerated. This variant has not been reported in the literature in individuals affected with SPTAN1-related conditions. This variant is not present in population databases (gnomAD no frequency). This sequence change replaces alanine, which is neutral and non-polar, with valine, which is neutral and non-polar, at codon 1636 of the SPTAN1 protein (p.Ala1636Val).